The following is an entry in ClinVar:

ClinVar aggregate classification (germline): Uncertain significance (1 of 4 stars; one submission).

Conditions:
Cardiovascular phenotype. Identifiers: MedGen CN230736.

Submission:

Ambry Genetics
Classification: Uncertain significance for Cardiovascular phenotype. Last evaluated: 2023-04-03. Review status: criteria provided, single submitter. Criteria: Ambry Variant Classification Scheme 2023. Collection method: clinical testing. Allele origin: germline.
Comment: The p.V2971A variant (also known as c.8912T>C), located in coding exon 38 of the ANK2 gene, results from a T to C substitution at nucleotide position 8912. The valine at codon 2971 is replaced by alanine, an amino acid with similar properties. This amino acid position is conserved. In addition, this alteration is predicted to be tolerated by in silico analysis. Since supporting evidence is limited at this time, the clinical significance of this alteration remains unclear.

NM_001148.6(ANK2):c.8912T>C (p.Val2971Ala)

Gene: ANK2 (ankyrin 2; plus strand). Cytogenetic location: 4q26.
Variant type: single nucleotide variant.
Coding change: c.8912T>C on transcript NM_001148.6 (MANE Select); coding-DNA position 8912, T replaced by C.
Protein change: p.Val2971Ala; replaces valine 2971 with alanine.
Molecular consequence: missense variant. On other transcripts: intron variant (68).
Genome position (GRCh38, 1-based): chr4:113,357,530, T>C. VCF-style: chr4-113357530-T-C. GRCh37 (hg19) VCF-style: chr4-114278686-T-C.
Other names: c.8678T>C, p.Val2893Ala (NM_001386142.1); c.5312T>C, p.Val1771Ala (NM_001386166.1); c.9053T>C, p.Val3018Ala (NM_001386174.1); c.9029T>C, p.Val3010Ala (NM_001386175.1); c.4412-3293T>C (NM_001386186.2, NM_001386148.2); c.4214-3293T>C (NM_001354269.3); c.4292-3293T>C (NM_001386187.2); c.4253-3293T>C (NM_001386147.1); and 35 more; short protein forms V1771A, V2971A, V2893A, V3010A, V3018A.
Identifiers: ClinVar variation 2560810 (VCV002560810.2), dbSNP rs2505907340, ClinGen allele CA357935812.
Genomic context (GRCh38, chr4:113,357,530, plus strand): 5'-CCACAAGTTTTCACTCTTCTGAAGTGTATTCTGTTACCATCACATCCCCTGTTGAAGACG[T>C]TGTAGTGGCAAGCTCCTCTAGTGGAACTGTTTTAAGCAAAGAATCTAATTTTGAGGGCCA-3'
Protein context (NP_001139.3, residues 2961-2981): SVTITSPVED[Val2971Ala]VVASSSSGTV